The following is an entry in ClinVar:

ClinVar aggregate classification (germline): Uncertain significance (1 of 4 stars; one submission).

Conditions:
Hereditary cancer-predisposing syndrome. Also called: Tumor predisposition; Neoplastic Syndromes, Hereditary; Hereditary neoplastic syndrome; Hereditary Cancer Syndrome. Identifiers: Orphanet 140162, MedGen C0027672, MeSH D009386, MONDO:0015356.

Submission:

Ambry Genetics
Classification: Uncertain significance for Hereditary cancer-predisposing syndrome. Last evaluated: 2025-08-31. Review status: criteria provided, single submitter. Criteria: Ambry Variant Classification Scheme 2023. Collection method: clinical testing. Allele origin: germline.
Comment: The p.T292P variant (also known as c.874A>C), located in coding exon 5 of the MEN1 gene, results from an A to C substitution at nucleotide position 874. The threonine at codon 292 is replaced by proline, an amino acid with highly similar properties. This amino acid position is conserved. In addition, the in silico prediction for this alteration is inconclusive. Based on the available evidence, the clinical significance of this variant remains unclear.

NM_001370259.2(MEN1):c.874A>C (p.Thr292Pro)

Gene: MEN1 (menin 1; minus strand). Cytogenetic location: 11q13.1.
Variant type: single nucleotide variant.
Coding change: c.874A>C on transcript NM_001370259.2 (MANE Select); coding-DNA position 874, A replaced by C.
Protein change: p.Thr292Pro; replaces threonine 292 with proline.
Molecular consequence: missense variant. On other transcripts: non-coding transcript variant (4).
Genome position (GRCh38, 1-based): chr11:64,807,049, T>G on the plus strand (A>C on the coding strand, the complement: MEN1 is on the minus strand). VCF-style: chr11-64807049-T-G. GRCh37 (hg19) VCF-style: chr11-64574521-T-G.
Other names: c.889A>C, p.Thr297Pro (NM_000244.4, NM_001407145.1, NM_001407150.1 and 5 more transcripts); c.874A>C, p.Thr292Pro (NM_001370251.2, NM_001370260.2, NM_001370261.2 and 7 more transcripts); c.769A>C, p.Thr257Pro (NM_001370262.2, NM_001370263.2, NM_001407148.1 and 2 more transcripts); short protein forms T292P, T257P, T297P.
Identifiers: ClinVar variation 4106580 (VCV004106580.1).
Genomic context (GRCh38, chr11:64,807,049, plus strand): 5'-CACCCTCCTTAGATGCCCCCACCTTGTGGTAGAGGGTGAGTGGGTCTGGCCGGCCAGGGG[T>G]GGGCTCCAGCTCCTCTAGATCTGCCAGGTTCCCTAAGGCCATGGGGTACCTAGGAAAGGA-3'
Protein context (NP_001357188.2, residues 282-302): NLADLEELEP[Thr292Pro]PGRPDPLTLY